The following is an entry in ClinVar:

NM_006614.4(CHL1):c.3153G>C (p.Glu1051Asp)

Gene: CHL1 (cell adhesion molecule L1 like; plus strand). Cytogenetic location: 3p26.3.
Variant type: single nucleotide variant.
Coding change: c.3153G>C on transcript NM_006614.4 (MANE Select); coding-DNA position 3153, G replaced by C.
Protein change: p.Glu1051Asp; replaces glutamic acid 1051 with aspartic acid.
Molecular consequence: missense variant. On other transcripts: intron variant (1).
Genome position (GRCh38, 1-based): chr3:398,285, G>C. VCF-style: chr3-398285-G-C. GRCh37 (hg19) VCF-style: chr3-439968-G-C.
Other names: c.3105G>C, p.Glu1035Asp (NM_001253387.2); c.3095-732G>C (NM_001253388.1); c.3153G>C (NM_006614.3); short protein forms E1051D, E1035D.
Identifiers: ClinVar variation 2063892 (VCV002063892.5), dbSNP rs143272020, ClinGen allele CA2225368.

ClinVar aggregate classification (germline): Likely benign. Review status: criteria provided, single submitter (1 of 4 stars). 2 submissions from 2 submitters: Likely benign (1). 1 of the submissions does not count toward it. Last evaluated 2023-10-11.

Conditions:
CHL1-related disorder. Also called: CHL1-related condition.

Allele frequency attached by ClinVar (database versions not stated): 1000 Genomes Project 0.00060; 1000 Genomes Project 30x 0.00062; ExAC 0.00082; ESP Exome Variant Server 0.00161; gnomAD exomes 0.00164.
gnomAD v4.1: 2,546 of 1,607,102 alleles (0.16%); highest among the groups gnomAD compares: Non-Finnish European, 0.2%; 3 homozygotes.

Submissions (2):

Labcorp Genetics (formerly Invitae), Labcorp
Classification: Likely benign. Last evaluated: 2023-10-11. Review status: criteria provided, single submitter. Criteria: Invitae Variant Classification Sherloc (09022015). Collection method: clinical testing. Allele origin: germline.

PreventionGenetics, part of Exact Sciences
Classification: Likely benign for CHL1-related condition. Last evaluated: 2023-07-22. Review status: no assertion criteria provided. Collection method: clinical testing. Allele origin: germline. Not counted in ClinVar's aggregate classification.
Comment: This variant is classified as likely benign based on ACMG/AMP sequence variant interpretation guidelines (Richards et al. 2015 PMID: 25741868, with internal and published modifications).